The following is an entry in ClinVar:

ClinVar aggregate classification (germline): Uncertain significance. Review status: criteria provided, multiple submitters, no conflicts (2 of 4 stars). 2 submissions from 2 submitters: Uncertain significance (2). Last evaluated 2025-10-05.

Conditions:
Deafness-lymphedema-leukemia syndrome. Also called: Lymphedema, primary, with myelodysplasia; Emberger syndrome. Identifiers: Orphanet 3226, MedGen C3279664, MONDO:0013540, OMIM 614038.
Monocytopenia with susceptibility to infections. Also called: MONOCYTOPENIA AND MYCOBACTERIAL INFECTION SYNDROME; MONOCYTOPENIA WITH SUSCEPTIBILITY TO MYCOBACTERIAL, FUNGAL, AND PAPILLOMAVIRUS INFECTIONS AND MYELODYSPLASIA; COMBINED IMMUNODEFICIENCY WITH SUSCEPTIBILITY TO MYCOBACTERIAL, VIRAL, AND FUNGAL INFECTIONS; Dendritic cell, monocyte, B lymphocyte, and natural killer lymphocyte deficiency; IMMUNODEFICIENCY 21; GATA2 DEFICIENCY. Identifiers: Orphanet 228423, MedGen C3280030, MONDO:0013607, OMIM 614172.
Inborn genetic diseases. Identifiers: MedGen C0950123, MeSH D030342.

Allele frequency attached by ClinVar (database versions not stated): ExAC 0.00001; gnomAD 0.00001; TOPMed 0.00001; gnomAD exomes 0.00002.
gnomAD v4.1: 6 of 1,614,116 alleles (0.00037%); highest among the groups gnomAD compares: Non-Finnish European, 0.00051%; no homozygotes.

Submissions (2):

Labcorp Genetics (formerly Invitae), Labcorp
Classification: Uncertain significance for Monocytopenia with susceptibility to infections; Deafness-lymphedema-leukemia syndrome. Last evaluated: 2025-10-05. Review status: criteria provided, single submitter. Criteria: Invitae Variant Classification Sherloc (09022015). Collection method: clinical testing. Allele origin: germline.
Comment: This sequence change replaces lysine, which is basic and polar, with methionine, which is neutral and non-polar, at codon 406 of the GATA2 protein (p.Lys406Met). This variant is present in population databases (rs756096688, gnomAD 0.004%). This variant has not been reported in the literature in individuals affected with GATA2-related conditions. ClinVar contains an entry for this variant (Variation ID: 645417). Invitae Evidence Modeling of protein sequence and biophysical properties (such as structural, functional, and spatial information, amino acid conservation, physicochemical variation, residue mobility, and thermodynamic stability) has been performed for this missense variant. However, the output from this modeling did not meet the statistical confidence thresholds required to predict the impact of this variant on GATA2 protein function. In summary, the available evidence is currently insufficient to determine the role of this variant in disease. Therefore, it has been classified as a Variant of Uncertain Significance.

Ambry Genetics
Classification: Uncertain significance for Inborn genetic diseases. Last evaluated: 2024-12-12. Review status: criteria provided, single submitter. Criteria: Ambry Variant Classification Scheme 2023. Collection method: clinical testing. Allele origin: germline.
Comment: The p.K406M variant (also known as c.1217A>T), located in coding exon 5 of the GATA2 gene, results from an A to T substitution at nucleotide position 1217. The lysine at codon 406 is replaced by methionine, an amino acid with similar properties. This amino acid position is well conserved in available vertebrate species. In addition, the in silico prediction for this alteration is inconclusive. Based on the available evidence, the clinical significance of this variant remains unclear.

NM_032638.5(GATA2):c.1217A>T (p.Lys406Met)

Gene: GATA2 (GATA binding protein 2; minus strand). Cytogenetic location: 3q21.3.
Variant type: single nucleotide variant.
Coding change: c.1217A>T on transcript NM_032638.5 (MANE Select); coding-DNA position 1217, A replaced by T.
Protein change: p.Lys406Met; replaces lysine 406 with methionine.
Molecular consequence: missense variant.
Genome position (GRCh38, 1-based): chr3:128,481,245, T>A on the plus strand (A>T on the coding strand, the complement: GATA2 is on the minus strand). VCF-style: chr3-128481245-T-A. GRCh37 (hg19) VCF-style: chr3-128200088-T-A.
Other names: c.1217A>T, p.Lys406Met (NM_001145661.2); c.1175A>T, p.Lys392Met (NM_001145662.1); short protein forms K392M, K406M.
Identifiers: ClinVar variation 645417 (VCV000645417.11), dbSNP rs756096688, ClinGen allele CA2599817.